The following is an entry in ClinVar:

NM_004086.3(COCH):c.153A>C (p.Pro51=)

Genes: COCH-AS1 (COCH antisense RNA 1; minus strand), COCH (cochlin; plus strand). Cytogenetic location: 14q12.
Variant type: single nucleotide variant.
Coding change: c.153A>C on transcript NM_004086.3 (MANE Select); coding-DNA position 153, A replaced by C.
Protein change: p.Pro51=; no amino-acid change (proline 51 retained).
Molecular consequence: synonymous variant.
Genome position (GRCh38, 1-based): chr14:30,877,642, A>C. VCF-style: chr14-30877642-A-C. GRCh37 (hg19) VCF-style: chr14-31346848-A-C.
Other names: c.153A>C (NM_001135058.1); c.153A>C, p.Pro51= (NM_001135058.2); c.348A>C, p.Pro116= (NM_001347720.2).
Identifiers: ClinVar variation 287013 (VCV000287013.13), dbSNP rs573330522, ClinGen allele CA7142940.
Genomic context (GRCh38, chr14:30,877,642, plus strand): 5'-TATCACATGTTTTACCAGAGGCTTGGACATCAGGAAAGAGAAAGCAGATGTCCTCTGCCC[A>C]GGGGGCTGCCCTCTTGAGGAATTCTCTGTGTATGGGAACATAGTATATGCTTCTGTATCG-3'
Protein context (NP_004077.1, residues 41-61): IRKEKADVLC[Pro51=]GGCPLEEFSV

ClinVar aggregate classification (germline): Conflicting classifications of pathogenicity. Review status: criteria provided, conflicting classifications (1 of 4 stars). 5 submissions from 5 submitters: Uncertain significance (1); Benign (1); Likely benign (2). 1 of the submissions does not count toward it. Last evaluated 2025-07-06.

Conditions:
COCH-related disorder. Also called: COCH-related condition.

Allele frequency attached by ClinVar (database versions not stated): ExAC 0.00015; gnomAD exomes 0.00015; 1000 Genomes Project 30x 0.00016; 1000 Genomes Project 0.00020; gnomAD 0.00054 and 0.00065; TOPMed 0.00068.
gnomAD v4.1: 177 of 1,614,210 alleles (0.011%); highest among the groups gnomAD compares: African/African-American, 0.21%; no homozygotes.

Submissions (5):

Labcorp Genetics (formerly Invitae), Labcorp
Classification: Benign. Last evaluated: 2025-07-06. Review status: criteria provided, single submitter. Criteria: Invitae Variant Classification Sherloc (09022015). Collection method: clinical testing. Allele origin: germline.

Blueprint Genetics
Classification: Likely benign. Last evaluated: 2023-10-25. Review status: criteria provided, single submitter. Criteria: ACMG Guidelines, 2015. Collection method: clinical testing. Allele origin: germline.

GeneDx
Classification: Likely benign. Last evaluated: 2020-11-12. Review status: criteria provided, single submitter. Criteria: GeneDx Variant Classification Process June 2021. Collection method: clinical testing. Allele origin: germline. Affected: yes.

Eurofins Ntd Llc (ga)
Classification: Uncertain significance. Last evaluated: 2016-04-15. Review status: criteria provided, single submitter. Criteria: EGL Classification Definitions 2015. Collection method: clinical testing. Allele origin: germline. Observed: 1 variant allele, 1 heterozygote.

PreventionGenetics, part of Exact Sciences
Classification: Likely benign for COCH-related condition. Last evaluated: 2019-12-18. Review status: no assertion criteria provided. Collection method: clinical testing. Allele origin: germline. Not counted in ClinVar's aggregate classification.
Comment: This variant is classified as likely benign based on ACMG/AMP sequence variant interpretation guidelines (Richards et al. 2015 PMID: 25741868, with internal and published modifications).